The following is an entry in ClinVar:

NM_198578.4(LRRK2):c.3374C>T (p.Pro1125Leu)

Gene: LRRK2 (leucine rich repeat kinase 2; plus strand). Cytogenetic location: 12q12.
Variant type: single nucleotide variant.
Coding change: c.3374C>T on transcript NM_198578.4 (MANE Select); coding-DNA position 3374, C replaced by T.
Protein change: p.Pro1125Leu; replaces proline 1125 with leucine.
Molecular consequence: missense variant.
Genome position (GRCh38, 1-based): chr12:40,299,135, C>T. VCF-style: chr12-40299135-C-T. GRCh37 (hg19) VCF-style: chr12-40692937-C-T.
Other names: short protein forms P1125L.
Identifiers: ClinVar variation 1730759 (VCV001730759.2), dbSNP rs750817122, ClinGen allele CA384415536.

ClinVar aggregate classification (germline): Uncertain significance (1 of 4 stars; one submission).

Conditions:
Inborn genetic diseases. Identifiers: MedGen C0950123, MeSH D030342.

gnomAD v4.1: 3 of 1,612,970 alleles (0.00019%); highest among the groups gnomAD compares: South Asian, 0.0011%; no homozygotes.

Submission:

Ambry Genetics
Classification: Uncertain significance for Inborn genetic diseases. Last evaluated: 2022-10-04. Review status: criteria provided, single submitter. Criteria: Ambry Variant Classification Scheme 2023. Collection method: clinical testing. Allele origin: germline.
Comment: The p.P1125L variant (also known as c.3374C>T), located in coding exon 25 of the LRRK2 gene, results from a C to T substitution at nucleotide position 3374. The proline at codon 1125 is replaced by leucine, an amino acid with similar properties. This amino acid position is conserved. In addition, this alteration is predicted to be tolerated by in silico analysis. Since supporting evidence is limited at this time, the clinical significance of this alteration remains unclear.